The following is an entry in ClinVar:

NM_033131.4(WNT3A):c.781A>C (p.Thr261Pro)

Gene: WNT3A (Wnt family member 3A; plus strand). Cytogenetic location: 1q42.13.
Variant type: single nucleotide variant.
Coding change: c.781A>C on transcript NM_033131.4 (MANE Select); coding-DNA position 781, A replaced by C.
Protein change: p.Thr261Pro; replaces threonine 261 with proline.
Molecular consequence: missense variant.
Genome position (GRCh38, 1-based): chr1:228,059,187, A>C. VCF-style: chr1-228059187-A-C. GRCh37 (hg19) VCF-style: chr1-228246888-A-C.
Other names: short protein forms T261P.
Identifiers: ClinVar variation 2996850 (VCV002996850.3), dbSNP rs1318316656, ClinGen allele CA345336896.
Genomic context (GRCh38, chr1:228,059,187, plus strand): 5'-ATGGTGGTGGAGAAGCACCGGGAGTCCCGCGGCTGGGTGGAGACCCTGCGGCCGCGCTAC[A>C]CCTACTTCAAGGTGCCCACGGAGCGCGACCTGGTCTACTACGAGGCCTCGCCCAACTTCT-3'
Protein context (NP_149122.1, residues 251-271): GWVETLRPRY[Thr261Pro]YFKVPTERDL

ClinVar aggregate classification (germline): Uncertain significance (1 of 4 stars; one submission).

Allele frequency attached by ClinVar (database versions not stated): TOPMed below 0.00001; gnomAD 0.00001; gnomAD exomes 0.00001.
gnomAD v4.1: 5 of 1,612,562 alleles (0.00031%); highest among the groups gnomAD compares: Admixed American, 0.0067%; no homozygotes.

Submission:

Labcorp Genetics (formerly Invitae), Labcorp
Classification: Uncertain significance. Last evaluated: 2024-01-10. Review status: criteria provided, single submitter. Criteria: Invitae Variant Classification Sherloc (09022015). Collection method: clinical testing. Allele origin: germline.
Comment: This sequence change replaces threonine, which is neutral and polar, with proline, which is neutral and non-polar, at codon 261 of the WNT3A protein (p.Thr261Pro). This variant is present in population databases (no rsID available, gnomAD 0.009%). This variant has not been reported in the literature in individuals affected with WNT3A-related conditions. Advanced modeling of protein sequence and biophysical properties (such as structural, functional, and spatial information, amino acid conservation, physicochemical variation, residue mobility, and thermodynamic stability) performed at Invitae indicates that this missense variant is not expected to disrupt WNT3A protein function with a negative predictive value of 80%. In summary, the available evidence is currently insufficient to determine the role of this variant in disease. Therefore, it has been classified as a Variant of Uncertain Significance.